The following is an entry in ClinVar:

NM_014290.3(TDRD7):c.2579C>T (p.Pro860Leu)

Gene: TDRD7 (tudor domain containing 7; plus strand). Cytogenetic location: 9q22.33.
Variant type: single nucleotide variant.
Coding change: c.2579C>T on transcript NM_014290.3 (MANE Select); coding-DNA position 2579, C replaced by T.
Protein change: p.Pro860Leu; replaces proline 860 with leucine.
Molecular consequence: missense variant.
Genome position (GRCh38, 1-based): chr9:97,483,015, C>T. VCF-style: chr9-97483015-C-T. GRCh37 (hg19) VCF-style: chr9-100245297-C-T.
Other names: c.2357C>T, p.Pro786Leu (NM_001302884.2); short protein forms P786L, P860L.
Identifiers: ClinVar variation 3234357 (VCV003234357.20), dbSNP rs1384859480, ClinGen allele CA374179643.

ClinVar aggregate classification (germline): Uncertain significance (1 of 4 stars; one submission).

Allele frequency attached by ClinVar (database versions not stated): TOPMed 0.00001.
gnomAD v4.1: 4 of 1,614,136 alleles (0.00025%); highest among the groups gnomAD compares: Non-Finnish European, 0.00025%; no homozygotes.

Submission:

CeGaT Center for Human Genetics Tuebingen
Classification: Uncertain significance. Last evaluated: 2024-04-01. Review status: criteria provided, single submitter. Criteria: CeGaT Center For Human Genetics Tuebingen Variant Classification Criteria Version 2. Collection method: clinical testing. Allele origin: germline. Affected: yes. Observed: 1 variant allele.
Comment: TDRD7: PM2, BP4